The following is an entry in ClinVar:

ClinVar aggregate classification (germline): Likely pathogenic (1 of 4 stars; one submission).

Conditions:
Hereditary cancer-predisposing syndrome. Also called: Neoplastic Syndromes, Hereditary; Tumor predisposition; Hereditary Cancer Syndrome; Hereditary neoplastic syndrome. Identifiers: Orphanet 140162, MedGen C0027672, MeSH D009386, MONDO:0015356.

Submission:

Ambry Genetics
Classification: Likely pathogenic for Hereditary cancer-predisposing syndrome. Last evaluated: 2019-09-10. Review status: criteria provided, single submitter. Criteria: Ambry Variant Classification Scheme 2023. Collection method: clinical testing. Allele origin: germline.
Comment: The c.1995-2A>G intronic variant results from an A to G substitution two nucleotides upstream from coding exon 18 in the MRE11A gene. This variant, designated MRE11 c.1995-2A>G, was reported in an individual with triple negative breast cancer (Kotoula V et al. Am J Cancer Res, 2017 Jan;7:98-114). This nucleotide position is highly conserved in available vertebrate species. Based on two different splice site prediction tools, this alteration is expected to abolish the native splice acceptor site; however, experimental evidence is not currently available. Alterations that disrupt the canonical splice site are expected to cause aberrant splicing, resulting in an abnormal protein or a transcript that is subject to nonsense-mediated mRNA decay. As such, this alteration is classified as likely pathogenic.

Literature cited by the submitters: PubMed 28123851.

NM_005591.4(MRE11):c.1995-2A>G

Gene: MRE11 (MRE11 double strand break repair nuclease; minus strand). Cytogenetic location: 11q21.
Variant type: single nucleotide variant.
Coding change: c.1995-2A>G on transcript NM_005591.4 (MANE Select); the canonical splice acceptor site of the intron before coding-DNA position 1995, A replaced by G.
Molecular consequence: splice acceptor variant.
Genome position (GRCh38, 1-based): chr11:94,429,988, T>C on the plus strand (A>G on the coding strand, the complement: MRE11 is on the minus strand). VCF-style: chr11-94429988-T-C. GRCh37 (hg19) VCF-style: chr11-94163154-T-C.
Other names: c.1992-2A>G (NM_001330347.2); c.1911-2A>G (NM_005590.4).
Identifiers: ClinVar variation 820467 (VCV000820467.4), dbSNP rs1591634006, ClinGen allele CA382373598.
Genomic context (GRCh38, chr11:94,429,988, plus strand): 5'-CAACCCCTTTCGATACTTGACTCTGGGACATGATTTTGCTGGATGATGTGCTGGACCACC[T>C]GAGGCAAAACAAAAACAAAAACAAACACAATGAACTACATAATTCATCAAGTGTGCCTTT-3'